The following is an entry in ClinVar:

NM_001399.5(EDA):c.883del (p.Val295fs)

Gene: EDA (ectodysplasin A; plus strand). Cytogenetic location: Xq13.1.
Variant type: Deletion.
Coding change: c.883del on transcript NM_001399.5 (MANE Select); coding-DNA position 883, one base deleted (G; older notation c.883delG).
Protein change: p.Val295fs; shifts the reading frame from valine 295.
Molecular consequence: frameshift variant.
Genome position (GRCh38, 1-based): chrX:70,033,487, G deleted; the last of 2 consecutive G bases (chrX:70,033,486-70,033,487); deleting either gives the same sequence. VCF-style (leftmost placement, unchanged base first): chrX-70033485-AG-A. GRCh37 (hg19) VCF-style: chrX-69253335-AG-A.
Other names: c.883del, p.Val295fs (NM_001005609.2); c.874del, p.Val292fs (NM_001005612.3); short protein forms V295fs, V292fs.
Identifiers: ClinVar variation 2859390 (VCV002859390.3), dbSNP rs2520343398, ClinGen allele CA2739273563.

ClinVar aggregate classification (germline): Pathogenic (1 of 4 stars; one submission).

Conditions:
Hypohidrotic X-linked ectodermal dysplasia (XHED). Also called: ECTODERMAL DYSPLASIA 1; Anhidrotic ectodermal dysplasia X-linked; Christ Siemens Touraine syndrome; ECTODERMAL DYSPLASIA 1, HYPOHIDROTIC, X-LINKED; ECTODERMAL DYSPLASIA 1, HYPOHIDROTIC/HAIR/TOOTH TYPE, X-LINKED; Ectodermal Dysplasia 1, Anhidrotic. Identifiers: Orphanet 181, Orphanet 238468, MedGen C0162359, MONDO:0010585, OMIM 305100.

Submission:

Labcorp Genetics (formerly Invitae), Labcorp
Classification: Pathogenic for Hypohidrotic X-linked ectodermal dysplasia. Last evaluated: 2023-04-26. Review status: criteria provided, single submitter. Criteria: Invitae Variant Classification Sherloc (09022015). Collection method: clinical testing. Allele origin: germline.
Comment: This variant is not present in population databases (gnomAD no frequency). This sequence change creates a premature translational stop signal (p.Val295Tyrfs*13) in the EDA gene. While this is not anticipated to result in nonsense mediated decay, it is expected to disrupt the last 97 amino acid(s) of the EDA protein. This variant has not been reported in the literature in individuals affected with EDA-related conditions. For these reasons, this variant has been classified as Pathogenic. This variant disrupts a region of the EDA protein in which other variant(s) (p.Ala367Valfs*10) have been determined to be pathogenic (Invitae). This suggests that this is a clinically significant region of the protein, and that variants that disrupt it are likely to be disease-causing.